The following is an entry in ClinVar:

ClinVar aggregate classification (germline): Uncertain significance (1 of 4 stars; one submission).

Conditions:
Myasthenic syndrome, congenital, 22 (CMS22). Also called: PREPL DEFICIENCY. Identifiers: MedGen C4479088, MONDO:0044299, OMIM 616224.

Allele frequency attached by ClinVar (database versions not stated): gnomAD exomes below 0.00001.
gnomAD v4.1: 1 of 1,613,868 alleles (0.000062%); highest among the groups gnomAD compares: Non-Finnish European, 0.000085%; no homozygotes.

Submission:

Labcorp Genetics (formerly Invitae), Labcorp
Classification: Uncertain significance for Myasthenic syndrome, congenital, 22. Last evaluated: 2022-05-09. Review status: criteria provided, single submitter. Criteria: Invitae Variant Classification Sherloc (09022015). Collection method: clinical testing. Allele origin: germline.
Comment: In summary, the available evidence is currently insufficient to determine the role of this variant in disease. Therefore, it has been classified as a Variant of Uncertain Significance. Algorithms developed to predict the effect of missense changes on protein structure and function (SIFT, PolyPhen-2, Align-GVGD) all suggest that this variant is likely to be tolerated. This variant has not been reported in the literature in individuals affected with PREPL-related conditions. This variant is not present in population databases (gnomAD no frequency). This sequence change replaces tyrosine, which is neutral and polar, with cysteine, which is neutral and slightly polar, at codon 417 of the PREPL protein (p.Tyr417Cys).

NM_001171613.2(PREPL):c.983A>G (p.Tyr328Cys)

Gene: PREPL (prolyl endopeptidase like; minus strand). Cytogenetic location: 2p21.
Variant type: single nucleotide variant.
Coding change: c.983A>G on transcript NM_001171613.2 (MANE Select); coding-DNA position 983, A replaced by G.
Protein change: p.Tyr328Cys; replaces tyrosine 328 with cysteine.
Molecular consequence: missense variant. On other transcripts: intron variant (1).
Genome position (GRCh38, 1-based): chr2:44,332,562, T>C on the plus strand (A>G on the coding strand, the complement: PREPL is on the minus strand). VCF-style: chr2-44332562-T-C. GRCh37 (hg19) VCF-style: chr2-44559701-T-C.
Other names: c.1064A>G, p.Tyr355Cys (NM_001042385.2); c.1250A>G, p.Tyr417Cys (NM_001171603.1, NM_001171606.2, NM_001374275.1 and 2 more transcripts); c.983A>G, p.Tyr328Cys (NM_001171617.1, NM_001374277.1); c.1156-3450A>G (NM_001042386.2); short protein forms Y355C, Y328C, Y417C.
Identifiers: ClinVar variation 2135863 (VCV002135863.4), dbSNP rs2466159294, ClinGen allele CA346691153.
Genomic context (GRCh38, chr2:44,332,562, plus strand): 5'-ATTGGGTCTTCATGCCCAGTTTCCTCAAACAGTTTGCCTTCTGCAAACTTGTATGTGTAA[T>C]ATTTTGGGGGACGTATTGGAGAGCAAAGTTGAAAGGGGCAGTTCTTTGGGTCAGAATTTG-3'
Protein context (NP_001165084.1, residues 318-338): QLCSPIRPPK[Tyr328Cys]YTYKFAEGKL